The following is an entry in ClinVar:

NM_000152.5(GAA):c.766_785delinsC (p.Tyr256fs)

Gene: GAA (alpha glucosidase; plus strand). Cytogenetic location: 17q25.3.
Variant type: Indel.
Coding change: c.766_785delinsC on transcript NM_000152.5 (MANE Select); coding-DNA positions 766 to 785, TATATCACAGGCCTCGCCGA replaced by C.
Protein change: p.Tyr256fs; shifts the reading frame from tyrosine 256.
Molecular consequence: frameshift variant.
Genome position (GRCh38, 1-based): chr17:80,107,630-80,107,649, TATATCACAGGCCTCGCCGA replaced by C. VCF-style: chr17-80107630-TATATCACAGGCCTCGCCGA-C. GRCh37 (hg19) VCF-style: chr17-78081429-TATATCACAGGCCTCGCCGA-C.
Other names: c.766_785delinsC (LRG_673t1, NM_000152.4); c.766_785delinsC, p.Tyr256fs (NM_001079803.3, NM_001079804.3); c.766_785delTATATCACAGGCCTCGCCGAinsC (NM_000152.4); short protein forms Y256fs.
Identifiers: ClinVar variation 188880 (VCV000188880.24), dbSNP rs786204532, ClinGen allele CA274073.
Genomic context (GRCh38, chr17:80,107,630, plus strand): 5'-GTGGCGCCCCTGTTCTTTGCGGACCAGTTCCTTCAGCTGTCCACCTCGCTGCCCTCGCAG[TATATCACAGGCCTCGCCGA>C]GCACCTCAGTCCCCTGATGCTCAGCACCAGCTGGACCAGGATCACCCTGTGGAACCGGGA-3'

ClinVar aggregate classification (germline): Pathogenic. Review status: reviewed by expert panel (3 of 4 stars). 12 submissions from 12 submitters: Pathogenic (1). 11 of the submissions do not count toward it. Last evaluated 2020-10-06.

Conditions:
Glycogen storage disease, type II (IOPD). Also called: CARDIOMEGALIA GLYCOGENICA DIFFUSA; GLYCOGENOSIS, GENERALIZED, CARDIAC FORM; GSD II; Pompe Disease; Glycogen storage disease type 2; Acid maltase deficiency disease. Identifiers: Orphanet 365, MedGen C0017921, MONDO:0009290, OMIM 232300.

Submissions (12):

ClinGen Lysosomal Storage Disorder Variant Curation Expert Panel
Classification: Pathogenic for Glycogen storage disease, type II. Last evaluated: 2020-10-06. Review status: reviewed by expert panel. Criteria: ClinGen LSD ACMG Specifications v1. Collection method: curation. Allele origin: germline. Inheritance: Autosomal recessive inheritance.
Comment: This variant, c.766_c.785delinsC (p.Tyr256ArgfsTer6), is a frameshift variant that is predicted to result in a premature termination codon, nonsense mediated decay, and lack of gene product, meeting PVS1. This is supported by the finding that a patient who is compound heterozygous for this variant and another null variant has no GAA cross-reactive material in cultured skin fibroblasts i.e. CRIM-negative (PMIDs 22252923, 25763511). This patient and one other meet the ClinGen LSD VCEP's specifications for PP4. The first patient is compound heterozygous for the variant and c.2432delT (p.Leu811fsTer37) (PMID 25763511); the second is compound heterozygous for the variant and c.2014C>T (p.Arg672Trp) (PMID 9535769). The phase of the variants is unknown. In both cases, the in trans data will be used in the assessment of the second variant and was, therefore, not include here for PM3 in order to avoid a circular argument. Another patient has been reported to be compound heterozygous for the variant and c.-32-13T>G but was not included because the residual GAA activity was not reported (PMID 30564623). Finally, two siblings with adult onset Pompe disease have been reported to have the variant but the second variant and residual GAA activity were not provided (PMID 10206684). This variant is not in gnomAD v2.1.1, meeting PM2. There is a ClinVar entry for this variant (Variation ID: 188880, two star review status) with two submitters classifying the variant as pathogenic and one as likely pathogenic. In summary, this variant meets the criteria to be classified as pathogenic for Pompe disease. GAA-specific ACMG/AMP criteria applied, as specified by the ClinGen LSD VCEP: PVS1, PM2, PP4.

Genomenon, Inc
Classification: Pathogenic for Glycogen storage disease, type II. Last evaluated: 2026-07-01. Review status: criteria provided, single submitter. Criteria: Genomenon Sequence Variant Interpretation Standards - Updated. Collection method: curation. Allele origin: germline. Affected: yes. Not counted in ClinVar's aggregate classification.
Comment: GAA p.Tyr256ArgfsTer6 (c.766_785delinsC) is a frameshift variant that is predicted to introduce a premature termination codon and result in a truncated or absent protein product. This variant has been observed in at least one proband with a GAA-related disorder (PMID:37087815;25763511;9535769). It is absent or not present at a significant frequency in gnomAD. In conclusion, we classify GAA p.Tyr256ArgfsTer6 (c.766_785delinsC) as a pathogenic variant.

Labcorp Genetics (formerly Invitae), Labcorp
Classification: Pathogenic for Glycogen storage disease, type II. Last evaluated: 2025-10-02. Review status: criteria provided, single submitter. Criteria: Invitae Variant Classification Sherloc (09022015). Collection method: clinical testing. Allele origin: germline. Not counted in ClinVar's aggregate classification.
Comment: This sequence change creates a premature translational stop signal (p.Tyr256Serfs*6) in the GAA gene. It is expected to result in an absent or disrupted protein product. Loss-of-function variants in GAA are known to be pathogenic (PMID: 18425781, 22252923). This variant is not present in population databases (gnomAD no frequency). This premature translational stop signal has been observed in individual(s) with glycogen storage disease (PMID: 10206684). ClinVar contains an entry for this variant (Variation ID: 188880). For these reasons, this variant has been classified as Pathogenic.

Natera, Inc.
Classification: Pathogenic for Glycogen storage disease type II. Last evaluated: 2025-08-10. Review status: criteria provided, single submitter. Criteria: Natera Variant Classification Schema (03/2026). Collection method: clinical testing. Allele origin: germline. Not counted in ClinVar's aggregate classification.
Comment: The c.766_785delTATATCACAGGCCTCGCCGAinsC variant in GAA is a frameshift variant predicted to shift the reading frame beginning at codon 256 and leads to a stop codon 6 codons downstream. This variant is expected to result in nonsense mediated decay, truncation, or a dysfunctional protein product. This variant is rare in the general population with a frequency below the threshold expected for the associated phenotype(s). This variant has been observed in one or more individuals affected with the associated recessive disease, as either homozygous or compound heterozygous with a second variant (PMID: 9535769). Given the available evidence, this variant is classified as Pathogenic.

GeneDx
Classification: Pathogenic. Last evaluated: 2025-05-08. Review status: criteria provided, single submitter. Criteria: GeneDx Variant Classification Process June 2021. Collection method: clinical testing. Allele origin: germline. Affected: yes. Not counted in ClinVar's aggregate classification.
Comment: Frameshift variant predicted to result in protein truncation or nonsense mediated decay in a gene for which loss-of-function is a known mechanism of disease; Not observed at significant frequency in large population cohorts (gnomAD); Reported as heterozygous in two adult siblings with Pompe disease, a second GAA variant was not described (PMID: 10206684); This variant is associated with the following publications: (PMID: 22252923, 9535769, 10206684)

Fulgent Genetics
Classification: Pathogenic for Glycogen storage disease, type II. Last evaluated: 2024-02-12. Review status: criteria provided, single submitter. Criteria: ACMG Guidelines, 2015. Collection method: clinical testing. Allele origin: germline. Not counted in ClinVar's aggregate classification.

Baylor Genetics
Classification: Pathogenic for Glycogen storage disease, type II. Last evaluated: 2023-09-12. Review status: criteria provided, single submitter. Criteria: ACMG Guidelines, 2015. Collection method: clinical testing. Allele origin: unknown. Not counted in ClinVar's aggregate classification.

Women's Health and Genetics/Laboratory Corporation of America, LabCorp
Classification: Pathogenic for Glycogen storage disease, type II. Last evaluated: 2022-08-08. Review status: criteria provided, single submitter. Criteria: LabCorp Variant Classification Summary - May 2015. Collection method: clinical testing. Allele origin: germline. Not counted in ClinVar's aggregate classification.
Comment: Variant summary: GAA c.766_785delinsC (p.Tyr256ArgfsX6) results in a premature termination codon, predicted to cause a truncation of the encoded protein or absence of the protein due to nonsense mediated decay, which are commonly known mechanisms for disease. Truncations downstream of this position have been classified as pathogenic by our laboratory. The variant was absent in 251112 control chromosomes. c.766_785delinsC has been reported in the literature in individuals affected with Glycogen Storage Disease, Type 2 (Pompe Disease; eg. Beesley_1998, Huie_1998, Bali_2012). These data indicate that the variant is likely to be associated with disease. Five clinical diagnostic laboratories have submitted clinical-significance assessments for this variant to ClinVar after 2014 without evidence for independent evaluation. All laboratories classified the variant as pathogenic/likely pathogenic. Based on the evidence outlined above, the variant was classified as pathogenic.

Revvity Omics, Revvity
Classification: Pathogenic. Last evaluated: 2022-05-19. Review status: criteria provided, single submitter. Criteria: ACMG Guidelines, 2015. Collection method: clinical testing. Allele origin: germline. Not counted in ClinVar's aggregate classification.

AiLife Diagnostics
Classification: Likely pathogenic. Last evaluated: 2022-02-11. Review status: criteria provided, single submitter. Criteria: ACMG Guidelines, 2015. Collection method: clinical testing. Allele origin: germline. Affected: yes. Observed: 3 variant alleles. Not counted in ClinVar's aggregate classification.

Eurofins Ntd Llc (ga)
Classification: Pathogenic. Last evaluated: 2016-03-25. Review status: criteria provided, single submitter. Criteria: EGL Classification Definitions 2015. Collection method: clinical testing. Allele origin: germline. Observed: 2 variant alleles, 2 heterozygotes. Not counted in ClinVar's aggregate classification.

Counsyl
Classification: Likely pathogenic for Glycogen storage disease, type II. Last evaluated: 2014-08-18. Review status: no assertion criteria provided. Collection method: literature only. Allele origin: unknown. Inheritance: Autosomal recessive inheritance. Not counted in ClinVar's aggregate classification.

Literature cited by the submitters: PubMed 37087815 (cited by Genomenon, Inc); PubMed 25763511 (cited by Genomenon, Inc); PubMed 9535769 (cited by 4 submitters); PubMed 18425781 (cited by Labcorp Genetics (formerly Invitae), Labcorp); PubMed 22252923 (cited by Labcorp Genetics (formerly Invitae), Labcorp and Women's Health and Genetics/Laboratory Corporation of America, LabCorp); PubMed 10206684 (cited by 4 submitters).